The following is an entry in ClinVar:

ClinVar aggregate classification (germline): Uncertain significance (1 of 4 stars; one submission).

Conditions:
Hereditary cancer-predisposing syndrome. Also called: Neoplastic Syndromes, Hereditary; Tumor predisposition; Hereditary neoplastic syndrome; Hereditary Cancer Syndrome. Identifiers: Orphanet 140162, MedGen C0027672, MeSH D009386, MONDO:0015356.

Submission:

Ambry Genetics
Classification: Uncertain significance for Hereditary cancer-predisposing syndrome. Last evaluated: 2024-06-08. Review status: criteria provided, single submitter. Criteria: Ambry Variant Classification Scheme 2023. Collection method: clinical testing. Allele origin: germline.
Comment: The p.R962K variant (also known as c.2885G>A), located in coding exon 17 of the PTCH1 gene, results from a G to A substitution at nucleotide position 2885. The arginine at codon 962 is replaced by lysine, an amino acid with highly similar properties. This amino acid position is conserved. In addition, the in silico prediction for this alteration is inconclusive. Based on the available evidence, the clinical significance of this variant remains unclear.

NM_000264.5(PTCH1):c.2885G>A (p.Arg962Lys)

Gene: PTCH1 (patched 1; minus strand). Cytogenetic location: 9q22.32.
Variant type: single nucleotide variant.
Coding change: c.2885G>A on transcript NM_000264.5 (MANE Select); coding-DNA position 2885, G replaced by A.
Protein change: p.Arg962Lys; replaces arginine 962 with lysine.
Molecular consequence: missense variant. On other transcripts: non-coding transcript variant (1).
Genome position (GRCh38, 1-based): chr9:95,459,602, C>T on the plus strand (G>A on the coding strand, the complement: PTCH1 is on the minus strand). VCF-style: chr9-95459602-C-T. GRCh37 (hg19) VCF-style: chr9-98221884-C-T.
Other names: c.2687G>A, p.Arg896Lys (NM_001083602.3); c.2882G>A, p.Arg961Lys (NM_001083603.3); c.2432G>A, p.Arg811Lys (NM_001083604.3, NM_001083605.3, NM_001083606.3 and 1 more transcripts); c.2729G>A, p.Arg910Lys (NM_001354918.2); short protein forms R811K, R910K, R896K, R961K, R962K.
Identifiers: ClinVar variation 3311194 (VCV003311194.1).